The following is an entry in ClinVar:

NM_006206.6(PDGFRA):c.434C>T (p.Ser145Phe)

Gene: PDGFRA (platelet derived growth factor receptor alpha; plus strand). Cytogenetic location: 4q12.
Variant type: single nucleotide variant.
Coding change: c.434C>T on transcript NM_006206.6 (MANE Select); coding-DNA position 434, C replaced by T.
Protein change: p.Ser145Phe; replaces serine 145 with phenylalanine.
Molecular consequence: missense variant.
Genome position (GRCh38, 1-based): chr4:54,263,733, C>T. VCF-style: chr4-54263733-C-T. GRCh37 (hg19) VCF-style: chr4-55129900-C-T.
Other names: c.434C>T, p.Ser145Phe (NM_001347827.2, NM_001347829.2); c.509C>T, p.Ser170Phe (NM_001347828.2); c.473C>T, p.Ser158Phe (NM_001347830.2); short protein forms S158F, S170F, S145F.
Identifiers: ClinVar variation 1739925 (VCV001739925.4), dbSNP rs2110251280, ClinGen allele CA356889820.
Genomic context (GRCh38, chr4:54,263,733, plus strand): 5'-ATGTAGCCTTTGTACCTCTAGGAATGACGGATTATTTAGTCATCGTGGAGGATGATGATT[C>T]TGCCATTATACCTTGTCGCACAACTGATCCCGAGACTCCTGTAACCTTACACAACAGTGA-3'
Protein context (NP_006197.1, residues 135-155): DYLVIVEDDD[Ser145Phe]AIIPCRTTDP

ClinVar aggregate classification (germline): Uncertain significance. Review status: criteria provided, multiple submitters, no conflicts (2 of 4 stars). 2 submissions from 2 submitters: Uncertain significance (2). Last evaluated 2025-07-15.

Conditions:
Hereditary cancer-predisposing syndrome. Also called: Tumor predisposition; Neoplastic Syndromes, Hereditary; Hereditary Cancer Syndrome; Hereditary neoplastic syndrome. Identifiers: Orphanet 140162, MedGen C0027672, MeSH D009386, MONDO:0015356.
Gastrointestinal stromal tumor. Also called: Gastrointestinal stroma tumor; Gastrointestinal stromal tumor, somatic. Identifiers: Orphanet 44890, MedGen C0238198, MeSH D046152, MONDO:0011719, OMIM 606764, HP:0100723.

Submissions (2):

Labcorp Genetics (formerly Invitae), Labcorp
Classification: Uncertain significance for Gastrointestinal stromal tumor. Last evaluated: 2025-07-15. Review status: criteria provided, single submitter. Criteria: Invitae Variant Classification Sherloc (09022015). Collection method: clinical testing. Allele origin: germline.
Comment: This sequence change replaces serine, which is neutral and polar, with phenylalanine, which is neutral and non-polar, at codon 145 of the PDGFRA protein (p.Ser145Phe). This variant is not present in population databases (gnomAD no frequency). This variant has not been reported in the literature in individuals affected with PDGFRA-related conditions. ClinVar contains an entry for this variant (Variation ID: 1739925). Invitae Evidence Modeling of protein sequence and biophysical properties (such as structural, functional, and spatial information, amino acid conservation, physicochemical variation, residue mobility, and thermodynamic stability) indicates that this missense variant is not expected to disrupt PDGFRA protein function with a negative predictive value of 80%. In summary, the available evidence is currently insufficient to determine the role of this variant in disease. Therefore, it has been classified as a Variant of Uncertain Significance.

Ambry Genetics
Classification: Uncertain significance for Hereditary cancer-predisposing syndrome. Last evaluated: 2025-06-13. Review status: criteria provided, single submitter. Criteria: Ambry Variant Classification Scheme 2023. Collection method: clinical testing. Allele origin: germline.
Comment: The p.S145F variant (also known as c.434C>T), located in coding exon 3 of the PDGFRA gene, results from a C to T substitution at nucleotide position 434. The serine at codon 145 is replaced by phenylalanine, an amino acid with highly dissimilar properties. This amino acid position is not well conserved in available vertebrate species. In addition, this alteration is predicted to be tolerated by in silico analysis. Since supporting evidence is limited at this time, the clinical significance of this alteration remains unclear.